The following is an entry in ClinVar:

ClinVar aggregate classification (germline): Uncertain significance. Review status: criteria provided, multiple submitters, no conflicts (2 of 4 stars). 2 submissions from 2 submitters: Uncertain significance (2). Last evaluated 2025-04-28.

Conditions:
Inborn genetic diseases. Identifiers: MedGen C0950123, MeSH D030342.
Neuropathy, hereditary motor and sensory, type 6B (HMSN6B). Also called: HMSN VIB; CHARCOT-MARIE-TOOTH DISEASE, TYPE 6B; Neuropathy, hereditary motor and sensory, type VIB; NEUROPATHY, HEREDITARY MOTOR AND SENSORY, TYPE VIB, WITH OPTIC ATROPHY. Identifiers: MedGen C4225302, MONDO:0014671, OMIM 616505.

Submissions (2):

Ambry Genetics
Classification: Uncertain significance for Inborn genetic diseases. Last evaluated: 2025-04-28. Review status: criteria provided, single submitter. Criteria: Ambry Variant Classification Scheme 2023. Collection method: clinical testing. Allele origin: germline.

Labcorp Genetics (formerly Invitae), Labcorp
Classification: Uncertain significance for Neuropathy, hereditary motor and sensory, type 6B. Last evaluated: 2022-06-20. Review status: criteria provided, single submitter. Criteria: Invitae Variant Classification Sherloc (09022015). Collection method: clinical testing. Allele origin: germline.
Comment: ClinVar contains an entry for this variant (Variation ID: 475792). This variant has not been reported in the literature in individuals affected with SLC25A46-related conditions. This variant is not present in population databases (gnomAD no frequency). This sequence change replaces valine, which is neutral and non-polar, with leucine, which is neutral and non-polar, at codon 66 of the SLC25A46 protein (p.Val66Leu). Algorithms developed to predict the effect of missense changes on protein structure and function (SIFT, PolyPhen-2, Align-GVGD) all suggest that this variant is likely to be tolerated. In summary, the available evidence is currently insufficient to determine the role of this variant in disease. Therefore, it has been classified as a Variant of Uncertain Significance.

NM_138773.4(SLC25A46):c.196G>T (p.Val66Leu)

Gene: SLC25A46 (solute carrier family 25 member 46; plus strand). Cytogenetic location: 5q22.1.
Variant type: single nucleotide variant.
Coding change: c.196G>T on transcript NM_138773.4 (MANE Select); coding-DNA position 196, G replaced by T.
Protein change: p.Val66Leu; replaces valine 66 with leucine.
Molecular consequence: missense variant. On other transcripts: non-coding transcript variant (1), intron variant (1).
Genome position (GRCh38, 1-based): chr5:110,739,315, G>T. VCF-style: chr5-110739315-G-T. GRCh37 (hg19) VCF-style: chr5-110075016-G-T.
Other names: c.196G>T (NM_138773.1); c.196G>T, p.Val66Leu (NM_001303249.3); c.10+1068G>T (NM_001303250.3); short protein forms V66L.
Identifiers: ClinVar variation 475792 (VCV000475792.10), dbSNP rs758140632, ClinGen allele CA360693343.
Genomic context (GRCh38, chr5:110,739,315, plus strand): 5'-CCCCCAGATATCCCCGGCAGCCGCAACCTGCACTGGGGCGAGAAGAGCCCGCCCTACGGC[G>T]TGCCCACCACCTCCACCCCGTACGAAGGCCCCACGGAGGAACCCTTTTCCAGTGGCGGCG-3'
Protein context (NP_620128.1, residues 56-76): HWGEKSPPYG[Val66Leu]PTTSTPYEGP